The following is an entry in ClinVar:

ClinVar aggregate classification (germline): Uncertain significance (1 of 4 stars; one submission).

Conditions:
Hereditary cancer-predisposing syndrome. Also called: Hereditary Cancer Syndrome; Hereditary neoplastic syndrome; Neoplastic Syndromes, Hereditary; Tumor predisposition. Identifiers: Orphanet 140162, MedGen C0027672, MeSH D009386, MONDO:0015356.

Submission:

Ambry Genetics
Classification: Uncertain significance for Hereditary cancer-predisposing syndrome. Last evaluated: 2022-06-07. Review status: criteria provided, single submitter. Criteria: Ambry Variant Classification Scheme 2023. Collection method: clinical testing. Allele origin: germline.
Comment: The p.L348R variant (also known as c.1043T>G), located in coding exon 10 of the FANCC gene, results from a T to G substitution at nucleotide position 1043. The leucine at codon 348 is replaced by arginine, an amino acid with dissimilar properties. This amino acid position is conserved. In addition, this alteration is predicted to be deleterious by in silico analysis. Since supporting evidence is limited at this time, the clinical significance of this alteration remains unclear.

NM_000136.3(FANCC):c.1043T>G (p.Leu348Arg)

Genes: AOPEP (aminopeptidase O (putative); plus strand), FANCC (FA complementation group C; minus strand). Cytogenetic location: 9q22.32.
Variant type: single nucleotide variant.
Coding change: c.1043T>G on transcript NM_000136.3 (MANE Select); coding-DNA position 1043, T replaced by G.
Protein change: p.Leu348Arg; replaces leucine 348 with arginine.
Molecular consequence: missense variant.
Genome position (GRCh38, 1-based): chr9:95,117,344, A>C on the plus strand (T>G on the coding strand, the complement: FANCC is on the minus strand). VCF-style: chr9-95117344-A-C. GRCh37 (hg19) VCF-style: chr9-97879626-A-C.
Other names: c.1043T>G, p.Leu348Arg (NM_001243743.2, NM_001243744.2); short protein forms L348R.
Identifiers: ClinVar variation 1774831 (VCV001774831.2), dbSNP rs2540991465, ClinGen allele CA374108145.
Genomic context (GRCh38, chr9:95,117,344, plus strand): 5'-TCTGATGTGGGCAAAGTCAACCCTAACTCACCTTGAGGGTCTTGCAGCAGCACCATGGCA[A>C]GAGATGGAGAAGTGTAAGGAAAGTAGGTCTTGAGTGCAAACCGCAGCTGCCACAGGATGG-3'
Protein context (NP_000127.2, residues 338-358): KTYFPYTSPS[Leu348Arg]AMVLLQDPQD